The following is an entry in ClinVar:

ClinVar aggregate classification (germline): Uncertain significance (1 of 4 stars; one submission).

Allele frequency attached by ClinVar (database versions not stated): ExAC 0.00002; gnomAD 0.00002; gnomAD exomes 0.00002; TOPMed 0.00003.
gnomAD v4.1: 36 of 1,613,828 alleles (0.0022%); highest among the groups gnomAD compares: Admixed American, 0.005%; no homozygotes.

Submission:

Labcorp Genetics (formerly Invitae), Labcorp
Classification: Uncertain significance. Last evaluated: 2024-02-19. Review status: criteria provided, single submitter. Criteria: Invitae Variant Classification Sherloc (09022015). Collection method: clinical testing. Allele origin: germline.
Comment: This sequence change replaces asparagine, which is neutral and polar, with serine, which is neutral and polar, at codon 336 of the LIG1 protein (p.Asn336Ser). This variant is present in population databases (rs771375863, gnomAD 0.003%). This variant has not been reported in the literature in individuals affected with LIG1-related conditions. ClinVar contains an entry for this variant (Variation ID: 1928494). Algorithms developed to predict the effect of missense changes on protein structure and function output the following: SIFT: "Not Available"; PolyPhen-2: "Benign"; Align-GVGD: "Not Available". The serine amino acid residue is found in multiple mammalian species, which suggests that this missense change does not adversely affect protein function. In summary, the available evidence is currently insufficient to determine the role of this variant in disease. Therefore, it has been classified as a Variant of Uncertain Significance.

NM_000234.3(LIG1):c.1007A>G (p.Asn336Ser)

Gene: LIG1 (DNA ligase 1; minus strand). Cytogenetic location: 19q13.33.
Variant type: single nucleotide variant.
Coding change: c.1007A>G on transcript NM_000234.3 (MANE Select); coding-DNA position 1007, A replaced by G.
Protein change: p.Asn336Ser; replaces asparagine 336 with serine.
Molecular consequence: missense variant. On other transcripts: non-coding transcript variant (6).
Genome position (GRCh38, 1-based): chr19:48,140,051, T>C on the plus strand (A>G on the coding strand, the complement: LIG1 is on the minus strand). VCF-style: chr19-48140051-T-C. GRCh37 (hg19) VCF-style: chr19-48643308-T-C.
Other names: c.914A>G, p.Asn305Ser (NM_001289063.2); c.803A>G, p.Asn268Ser (NM_001289064.2); c.1004A>G, p.Asn335Ser (NM_001320970.2); c.917A>G, p.Asn306Ser (NM_001320971.2); short protein forms N268S, N305S, N306S, N335S, N336S.
Identifiers: ClinVar variation 1928494 (VCV001928494.4), dbSNP rs771375863, ClinGen allele CA9547012.